The following is an entry in ClinVar:

ClinVar aggregate classification (germline): Conflicting classifications of pathogenicity. Review status: criteria provided, conflicting classifications (1 of 4 stars). 11 submissions from 11 submitters: Uncertain significance (2); Benign (1); Likely benign (6). 2 of the submissions do not count toward it. Last evaluated 2026-07-01.

Conditions:
POLG-related disorder. Also called: POLG-related condition; POLG-Related Disorders; POLG-Related Spectrum Disorders. Identifiers: MedGen C4763519.
Inborn genetic diseases. Identifiers: MedGen C0950123, MeSH D030342.
Progressive sclerosing poliodystrophy (MTDPS4A). Also called: Alpers-Huttenlocher Syndrome (AHS); NEURONAL DEGENERATION OF CHILDHOOD WITH LIVER DISEASE, PROGRESSIVE; ALPERS PROGRESSIVE INFANTILE POLIODYSTROPHY; Alpers Syndrome; Alpers-Huttenlocher Syndrome; ALPERS DIFFUSE DEGENERATION OF CEREBRAL GRAY MATTER WITH HEPATIC CIRRHOSIS. Identifiers: Orphanet 726, MedGen C0205710, MONDO:0008758, OMIM 203700.

Allele frequency attached by ClinVar (database versions not stated): ExAC 0.00036; gnomAD exomes 0.00037; ESP Exome Variant Server 0.00046; gnomAD 0.00049 and 0.00056; TOPMed 0.00067.
gnomAD v4.1: 567 of 1,613,934 alleles (0.035%); highest among the groups gnomAD compares: Middle Eastern, 0.13%; 1 homozygote.

Submissions (11):

CeGaT Center for Human Genetics Tuebingen
Classification: Likely benign. Last evaluated: 2026-07-01. Review status: criteria provided, single submitter. Criteria: CeGaT Center For Human Genetics Tuebingen Variant Classification Criteria Version 2. Collection method: clinical testing. Allele origin: germline. Affected: yes. Observed: 12 variant alleles.
Comment: POLG: BP4, BP7

Labcorp Genetics (formerly Invitae), Labcorp
Classification: Likely benign for Progressive sclerosing poliodystrophy. Last evaluated: 2026-02-02. Review status: criteria provided, single submitter. Criteria: Invitae Variant Classification Sherloc (09022015). Collection method: clinical testing. Allele origin: germline.

Blueprint Genetics
Classification: Likely benign. Last evaluated: 2024-11-25. Review status: criteria provided, single submitter. Criteria: ACMG Guidelines, 2015. Collection method: clinical testing. Allele origin: germline.

Athena Diagnostics
Classification: Likely benign. Last evaluated: 2019-11-07. Review status: criteria provided, single submitter. Criteria: Athena Diagnostics Criteria. Collection method: clinical testing. Allele origin: unknown.

Wong Mito Lab, Molecular and Human Genetics, Baylor College of Medicine
Classification: Likely benign for Progressive sclerosing poliodystrophy. Last evaluated: 2018-10-01. Review status: criteria provided, single submitter. Criteria: ACMG Guidelines, 2015. Collection method: clinical testing. Allele origin: germline.
Comment: The NM_002693.2:c.798G>T (NP_002684.1:p.Val266=) [GRCH38: NC_000015.10:g.89330138C>A] variant in POLG gene is interpretated to be a Likely Benign based on ACMG guidelines (PMID: 25741868). This variant meets the following evidence codes reported in the ACMG-guideline. BS1:The minor allele frequency of this allele is high for Mitochondrial DNA depletion syndrome 4A (Alpers type). BP4:Computational evidence/predictors indicate no impact on the POLG structure, function, or protein-protein interaction. BP7:The variant is silent with non predicted splice impact. Based on the evidence criteria codes applied, the variant is suggested to be Likely Benign.

Eurofins Ntd Llc (ga)
Classification: Uncertain significance. Last evaluated: 2018-08-09. Review status: criteria provided, single submitter. Criteria: EGL ClinVar v180209 classification definitions. Collection method: clinical testing. Allele origin: germline. Observed: 9 variant alleles, 9 heterozygotes.

Illumina Laboratory Services, Illumina
Classification: Uncertain significance for POLG-Related Spectrum Disorders. Last evaluated: 2018-01-13. Review status: criteria provided, single submitter. Criteria: ICSL Variant Classification Criteria 13 December 2019. Collection method: clinical testing. Allele origin: germline.

Ambry Genetics
Classification: Likely benign for Inborn genetic diseases. Last evaluated: 2016-08-30. Review status: criteria provided, single submitter. Criteria: Ambry Variant Classification Scheme 2023. Collection method: clinical testing. Allele origin: germline.

GeneDx
Classification: Benign. Last evaluated: 2013-02-01. Review status: criteria provided, single submitter. Criteria: GeneDx Variant Classification (06012015). Collection method: clinical testing. Allele origin: germline. Affected: yes.
Comment: This variant is considered likely benign or benign based on one or more of the following criteria: it is a conservative change, it occurs at a poorly conserved position in the protein, it is predicted to be benign by multiple in silico algorithms, and/or has population frequency not consistent with disease.

Clinical Genetics DNA and cytogenetics Diagnostics Lab, Erasmus MC, Erasmus Medical Center
Classification: Likely benign. Review status: no assertion criteria provided. Collection method: clinical testing. Allele origin: germline. Affected: yes. Study: VKGL Data-share Consensus. Not counted in ClinVar's aggregate classification.

Genome Diagnostics Laboratory, University Medical Center Utrecht
Classification: Likely benign. Review status: no assertion criteria provided. Collection method: clinical testing. Allele origin: germline. Affected: yes. Study: VKGL Data-share Consensus. Not counted in ClinVar's aggregate classification.

Literature cited by the submitters: PubMed 27843123 (cited by Athena Diagnostics).

NM_002693.3(POLG):c.798G>T (p.Val266=)

Gene: POLG (DNA polymerase gamma, catalytic subunit; minus strand). Cytogenetic location: 15q26.1.
Variant type: single nucleotide variant.
Coding change: c.798G>T on transcript NM_002693.3 (MANE Select); coding-DNA position 798, G replaced by T.
Protein change: p.Val266=; no amino-acid change (valine 266 retained).
Molecular consequence: synonymous variant.
Genome position (GRCh38, 1-based): chr15:89,330,138, C>A on the plus strand (G>T on the coding strand, the complement: POLG is on the minus strand). VCF-style: chr15-89330138-C-A. GRCh37 (hg19) VCF-style: chr15-89873369-C-A.
Other names: p.V266V:GTG>GTT; c.798G>T, p.Val266= (NM_001126131.2).
Identifiers: ClinVar variation 138769 (VCV000138769.66), dbSNP rs143631183, ClinGen allele CA232563.